The following is an entry in ClinVar:

NM_004370.6(COL12A1):c.3099T>C (p.His1033=)

Gene: COL12A1 (collagen type XII alpha 1 chain; minus strand). Cytogenetic location: 6q13.
Variant type: single nucleotide variant.
Coding change: c.3099T>C on transcript NM_004370.6 (MANE Select); coding-DNA position 3099, T replaced by C.
Protein change: p.His1033=; no amino-acid change (histidine 1033 retained).
Molecular consequence: synonymous variant. On other transcripts: intron variant (1).
Genome position (GRCh38, 1-based): chr6:75,156,408, A>G on the plus strand (T>C on the coding strand, the complement: COL12A1 is on the minus strand). VCF-style: chr6-75156408-A-G. GRCh37 (hg19) VCF-style: chr6-75866124-A-G.
Other names: c.74-3926T>C (NM_080645.3).
Identifiers: ClinVar variation 731503 (VCV000731503.15), dbSNP rs751065518, ClinGen allele CA3893800.

ClinVar aggregate classification (germline): Likely benign. Review status: criteria provided, multiple submitters, no conflicts (2 of 4 stars). 3 submissions from 3 submitters: Likely benign (3). Last evaluated 2026-06-01.

Conditions:
Ullrich congenital muscular dystrophy 2 (UCMD2). Identifiers: Orphanet 75840, MedGen C4225314, MONDO:0014654, OMIM 616470.
Bethlem myopathy 2 (BTHLM2). Identifiers: Orphanet 536516, Orphanet 610, MedGen C4225313, MONDO:0034022, OMIM 616471.

Allele frequency attached by ClinVar (database versions not stated): gnomAD exomes 0.00008; gnomAD 0.00009; TOPMed 0.00010.
gnomAD v4.1: 127 of 1,613,856 alleles (0.0079%); highest among the groups gnomAD compares: Non-Finnish European, 0.01%; no homozygotes.

Submissions (3):

CeGaT Center for Human Genetics Tuebingen
Classification: Likely benign. Last evaluated: 2026-06-01. Review status: criteria provided, single submitter. Criteria: CeGaT Center For Human Genetics Tuebingen Variant Classification Criteria Version 2. Collection method: clinical testing. Allele origin: germline. Affected: yes. Observed: 2 variant alleles.
Comment: COL12A1: BP4, BP7

Labcorp Genetics (formerly Invitae), Labcorp
Classification: Likely benign for Bethlem myopathy 2; Ullrich congenital muscular dystrophy 2. Last evaluated: 2025-11-27. Review status: criteria provided, single submitter. Criteria: Invitae Variant Classification Sherloc (09022015). Collection method: clinical testing. Allele origin: germline.

Women's Health and Genetics/Laboratory Corporation of America, LabCorp
Classification: Likely benign. Last evaluated: 2025-05-20. Review status: criteria provided, single submitter. Criteria: LabCorp Variant Classification Summary - May 2015. Collection method: clinical testing. Allele origin: germline.